The following is an entry in ClinVar:

NM_000089.4(COL1A2):c.3695T>A (p.Ile1232Asn)

Gene: COL1A2 (collagen type I alpha 2 chain; plus strand). Cytogenetic location: 7q21.3.
Variant type: single nucleotide variant.
Coding change: c.3695T>A on transcript NM_000089.4 (MANE Select); coding-DNA position 3695, T replaced by A.
Protein change: p.Ile1232Asn; replaces isoleucine 1232 with asparagine.
Molecular consequence: missense variant.
Genome position (GRCh38, 1-based): chr7:94,428,461, T>A. VCF-style: chr7-94428461-T-A. GRCh37 (hg19) VCF-style: chr7-94057773-T-A.
Other names: short protein forms I1232N.
Identifiers: ClinVar variation 3758895 (VCV003758895.2).
Genomic context (GRCh38, chr7:94,428,461, plus strand): 5'-CAGCCAAGAACTGGTATAGGAGCTCCAAGGACAAGAAACACGTCTGGCTAGGAGAAACTA[T>A]CAATGCTGGCAGCCAGGTGAGGAATCCCACAAACACCTCTCCTTCTGCTAAATAATATTT-3'
Protein context (NP_000080.2, residues 1222-1242): DKKHVWLGET[Ile1232Asn]NAGSQFEYNV

ClinVar aggregate classification (germline): Uncertain significance (1 of 4 stars; one submission).

Conditions:
Ehlers-Danlos syndrome, classic type, 1 (EDSCL1). Also called: EHLERS-DANLOS SYNDROME, GRAVIS TYPE; EHLERS-DANLOS SYNDROME, SEVERE CLASSIC TYPE; Ehlers-Danlos syndrome, type 1; Ehlers-Danlos Syndrome, Classic Type, COL5A1-Related; EDS I. Identifiers: MedGen C0268335, MONDO:0019567, OMIM 130000.
Osteogenesis imperfecta type I (OI1). Also called: OI, TYPE I; OSTEOGENESIS IMPERFECTA TARDA; OSTEOGENESIS IMPERFECTA WITH BLUE SCLERAE; Osteogenesis imperfecta type 1; Lobstein's Disease; Lobstein disease. Identifiers: Orphanet 216796, Orphanet 666, MedGen C0023931, MONDO:0008146, OMIM 166200. Disease mechanism: loss of function.

Submission:

Labcorp Genetics (formerly Invitae), Labcorp
Classification: Uncertain significance for Osteogenesis imperfecta type I; Ehlers-Danlos syndrome, classic type, 1. Last evaluated: 2025-04-13. Review status: criteria provided, single submitter. Criteria: Invitae Variant Classification Sherloc (09022015). Collection method: clinical testing. Allele origin: germline.
Comment: This sequence change replaces isoleucine, which is neutral and non-polar, with asparagine, which is neutral and polar, at codon 1232 of the COL1A2 protein (p.Ile1232Asn). This variant is not present in population databases (gnomAD no frequency). This variant has not been reported in the literature in individuals affected with COL1A2-related conditions. ClinVar contains an entry for this variant (Variation ID: 3758895). Invitae Evidence Modeling of protein sequence and biophysical properties (such as structural, functional, and spatial information, amino acid conservation, physicochemical variation, residue mobility, and thermodynamic stability) has been performed for this missense variant. However, the output from this modeling did not meet the statistical confidence thresholds required to predict the impact of this variant on COL1A2 protein function. In summary, the available evidence is currently insufficient to determine the role of this variant in disease. Therefore, it has been classified as a Variant of Uncertain Significance.